The following is an entry in ClinVar:

ClinVar aggregate classification (germline): Pathogenic. Review status: criteria provided, multiple submitters, no conflicts (2 of 4 stars). 2 submissions from 2 submitters: Pathogenic (2). Last evaluated 2023-09-18.

Conditions:
Hereditary nonpolyposis colorectal neoplasms. Identifiers: MedGen C0009405, MeSH D003123.
Lynch syndrome 4 (LYNCH4). Also called: Colorectal cancer, hereditary nonpolyposis, type 4; Hereditary non-polyposis colorectal cancer, type 4. Identifiers: Orphanet 144, MedGen C1838333, MONDO:0013699, OMIM 614337. Disease mechanism: loss of function.

Submissions (2):

Myriad Genetics, Inc.
Classification: Pathogenic for Lynch syndrome 4. Last evaluated: 2023-09-18. Review status: criteria provided, single submitter. Criteria: Myriad Autosomal Dominant, Autosomal Recessive and X-Linked Classification Criteria (2023). Collection method: clinical testing. Allele origin: unknown.
Comment: This variant is considered pathogenic. This variant creates a frameshift predicted to result in premature protein truncation.

Labcorp Genetics (formerly Invitae), Labcorp
Classification: Pathogenic for Hereditary nonpolyposis colorectal neoplasms. Last evaluated: 2020-03-10. Review status: criteria provided, single submitter. Criteria: Invitae Variant Classification Sherloc (09022015). Collection method: clinical testing. Allele origin: germline.
Comment: For these reasons, this variant has been classified as Pathogenic. Loss-of-function variants in PMS2 are known to be pathogenic (PMID: 21376568, 24362816). This variant has not been reported in the literature in individuals with PMS2-related conditions. This variant is not present in population databases (ExAC no frequency). This sequence change creates a premature translational stop signal (p.Phe104Leufs*8) in the PMS2 gene. It is expected to result in an absent or disrupted protein product.

Literature cited by the submitters: PubMed 21376568 (cited by Labcorp Genetics (formerly Invitae), Labcorp); PubMed 24362816 (cited by Labcorp Genetics (formerly Invitae), Labcorp).

NM_000535.7(PMS2):c.312del (p.Phe104fs)

Gene: PMS2 (PMS1 homolog 2, mismatch repair system component; minus strand). Cytogenetic location: 7p22.1.
Variant type: Deletion.
Coding change: c.312del on transcript NM_000535.7 (MANE Select); coding-DNA position 312, one base deleted (T; older notation c.312delT).
Protein change: p.Phe104fs; shifts the reading frame from phenylalanine 104.
Molecular consequence: frameshift variant. On other transcripts: 5 prime UTR variant (9), non-coding transcript variant (1), intron variant (2).
Genome position (GRCh38, 1-based): chr7:6,003,731, A deleted on the plus strand (T on the coding strand, the reverse complement: PMS2 is on the minus strand); the first of 4 consecutive A bases (chr7:6,003,731-6,003,734); deleting any one gives the same sequence. VCF-style (leftmost placement, unchanged base first): chr7-6003730-CA-C. GRCh37 (hg19) VCF-style: chr7-6043361-CA-C.
Other names: c.-94del (NM_001322003.2, NM_001322004.2, NM_001322005.2 and 3 more transcripts); c.312del, p.Phe104fs (NM_001322006.2, NM_001322014.2); c.-573del (NM_001322011.2, NM_001322012.2); c.-173del (NM_001322015.2); c.35+241del (NM_001322008.2, NM_001322007.2); short protein forms F104fs.
Identifiers: ClinVar variation 941764 (VCV000941764.8), dbSNP rs1785372371, ClinGen allele CA1139659967.